The following is an entry in ClinVar:

NM_003873.7(NRP1):c.1278A>G (p.Ile426Met)

Gene: NRP1 (neuropilin 1; minus strand). Cytogenetic location: 10p11.22.
Variant type: single nucleotide variant.
Coding change: c.1278A>G on transcript NM_003873.7 (MANE Select); coding-DNA position 1278, A replaced by G.
Protein change: p.Ile426Met; replaces isoleucine 426 with methionine.
Molecular consequence: missense variant. On other transcripts: non-coding transcript variant (1).
Genome position (GRCh38, 1-based): chr10:33,221,723, T>C on the plus strand (A>G on the coding strand, the complement: NRP1 is on the minus strand). VCF-style: chr10-33221723-T-C. GRCh37 (hg19) VCF-style: chr10-33510651-T-C.
Other names: c.1278A>G, p.Ile426Met (NM_001024628.3, NM_001024629.3, NM_001244972.2 and 2 more transcripts); short protein forms I426M.
Identifiers: ClinVar variation 4999153 (VCV004999153.1).
Genomic context (GRCh38, chr10:33,221,723, plus strand): 5'-CAAAACAAGACAATCTTCGACTTGGAAGATTCAGTCTTCAATCTTCCACAGCTTACCTGT[T>C]ATCTTGCAACCGTATACTTCAAATCTCATAGATATGCCAGTTTCCCAAGTTGCAGGCTTG-3'
Protein context (NP_003864.5, residues 416-436): SMRFEVYGCK[Ile426Met]TDYPCSGMLG

ClinVar aggregate classification (germline): Uncertain significance (1 of 4 stars; one submission).

Conditions:
NRP1-related disorder. Also called: NRP1-related condition.

Submission:

PreventionGenetics, part of Exact Sciences
Classification: Uncertain significance for NRP1-related condition. Last evaluated: 2024-11-29. Review status: criteria provided, single submitter. Criteria: ACMG Guidelines, 2015. Collection method: clinical testing. Allele origin: germline.
Comment: The NRP1 c.1278A>G variant is predicted to result in the amino acid substitution p.Ile426Met. To our knowledge, this variant has not been reported in the literature or in a large population database (gnomAD), indicating this variant is rare. At this time, the clinical significance of this variant is uncertain due to the absence of conclusive functional and genetic evidence.